The following is an entry in ClinVar:

NM_001079843.3(CASZ1):c.233G>A (p.Arg78His)

Gene: CASZ1 (castor zinc finger 1; minus strand). Cytogenetic location: 1p36.22.
Variant type: single nucleotide variant.
Coding change: c.233G>A on transcript NM_001079843.3 (MANE Select); coding-DNA position 233, G replaced by A.
Protein change: p.Arg78His; replaces arginine 78 with histidine.
Molecular consequence: missense variant.
Genome position (GRCh38, 1-based): chr1:10,665,355, C>T on the plus strand (G>A on the coding strand, the complement: CASZ1 is on the minus strand). VCF-style: chr1-10665355-C-T. GRCh37 (hg19) VCF-style: chr1-10725412-C-T.
Other names: c.233G>A, p.Arg78His (NM_017766.5); short protein forms R78H.
Identifiers: ClinVar variation 2060107 (VCV002060107.7), dbSNP rs376050510, ClinGen allele CA585499.

ClinVar aggregate classification (germline): Conflicting classifications of pathogenicity. Review status: criteria provided, conflicting classifications (1 of 4 stars). 3 submissions from 3 submitters: Uncertain significance (1); Likely benign (2). Last evaluated 2026-06-01.

Allele frequency attached by ClinVar (database versions not stated): gnomAD 0.00010; gnomAD exomes 0.00013; ESP Exome Variant Server 0.00016; TOPMed 0.00017; ExAC 0.00018.
gnomAD v4.1: 217 of 1,611,186 alleles (0.013%); highest among the groups gnomAD compares: Middle Eastern, 0.46%; 1 homozygote.

Submissions (3):

CeGaT Center for Human Genetics Tuebingen
Classification: Likely benign. Last evaluated: 2026-06-01. Review status: criteria provided, single submitter. Criteria: CeGaT Center For Human Genetics Tuebingen Variant Classification Criteria Version 2. Collection method: clinical testing. Allele origin: germline. Affected: yes. Observed: 1 variant allele.
Comment: CASZ1: BP4

Labcorp Genetics (formerly Invitae), Labcorp
Classification: Uncertain significance. Last evaluated: 2024-12-04. Review status: criteria provided, single submitter. Criteria: Invitae Variant Classification Sherloc (09022015). Collection method: clinical testing. Allele origin: germline.
Comment: This sequence change replaces arginine, which is basic and polar, with histidine, which is basic and polar, at codon 78 of the CASZ1 protein (p.Arg78His). This variant is present in population databases (rs376050510, gnomAD 0.07%), and has an allele count higher than expected for a pathogenic variant. This variant has not been reported in the literature in individuals affected with CASZ1-related conditions. ClinVar contains an entry for this variant (Variation ID: 2060107). An algorithm developed to predict the effect of missense changes on protein structure and function (PolyPhen-2) suggests that this variant is likely to be tolerated. In summary, the available evidence is currently insufficient to determine the role of this variant in disease. Therefore, it has been classified as a Variant of Uncertain Significance.

Blueprint Genetics
Classification: Likely benign. Last evaluated: 2024-11-11. Review status: criteria provided, single submitter. Criteria: ACMG Guidelines, 2015. Collection method: clinical testing. Allele origin: germline.